The following is an entry in ClinVar:

ClinVar aggregate classification (germline): Uncertain significance (1 of 4 stars; one submission).

Conditions:
Hereditary spastic paraplegia 11. Also called: Spastic paraplegia, mental retardation and thin corpus callosum; Nakamura Osame syndrome; Autosomal recessive hereditary spastic paraplegia, mental impairment, and thin corpus callosum; SPASTIC PARAPLEGIA, AUTOSOMAL RECESSIVE, COMPLICATED, WITH THIN CORPUS CALLOSUM; SPASTIC PARAPLEGIA, AUTOSOMAL RECESSIVE, WITH MENTAL IMPAIRMENT AND THIN CORPUS CALLOSUM; Spastic Paraplegia 11. Identifiers: Orphanet 2822, MedGen C1858479, MONDO:0011445, OMIM 604360.

Allele frequency attached by ClinVar (database versions not stated): gnomAD exomes below 0.00001; TOPMed below 0.00001; gnomAD 0.00001.
gnomAD v4.1: 8 of 1,614,084 alleles (0.0005%); highest among the groups gnomAD compares: Admixed American, 0.012%; no homozygotes.

Submission:

Labcorp Genetics (formerly Invitae), Labcorp
Classification: Uncertain significance for Hereditary spastic paraplegia 11. Last evaluated: 2022-05-19. Review status: criteria provided, single submitter. Criteria: Invitae Variant Classification Sherloc (09022015). Collection method: clinical testing. Allele origin: germline.
Comment: This sequence change replaces serine, which is neutral and polar, with asparagine, which is neutral and polar, at codon 217 of the SPG11 protein (p.Ser217Asn). This variant is present in population databases (no rsID available, gnomAD 0.003%). This variant has not been reported in the literature in individuals affected with SPG11-related conditions. ClinVar contains an entry for this variant (Variation ID: 843533). Algorithms developed to predict the effect of missense changes on protein structure and function output the following: SIFT: "Tolerated"; PolyPhen-2: "Benign"; Align-GVGD: "Class C0". The asparagine amino acid residue is found in multiple mammalian species, which suggests that this missense change does not adversely affect protein function. In summary, the available evidence is currently insufficient to determine the role of this variant in disease. Therefore, it has been classified as a Variant of Uncertain Significance.

NM_025137.4(SPG11):c.650G>A (p.Ser217Asn)

Gene: SPG11 (SPG11 vesicle trafficking associated, spatacsin; minus strand). Cytogenetic location: 15q21.1.
Variant type: single nucleotide variant.
Coding change: c.650G>A on transcript NM_025137.4 (MANE Select); coding-DNA position 650, G replaced by A.
Protein change: p.Ser217Asn; replaces serine 217 with asparagine.
Molecular consequence: missense variant.
Genome position (GRCh38, 1-based): chr15:44,659,096, C>T on the plus strand (G>A on the coding strand, the complement: SPG11 is on the minus strand). VCF-style: chr15-44659096-C-T. GRCh37 (hg19) VCF-style: chr15-44951294-C-T.
Other names: c.650G>A, p.Ser217Asn (NM_001160227.2); short protein forms S217N.
Identifiers: ClinVar variation 843533 (VCV000843533.7), dbSNP rs1037956688, ClinGen allele CA270109380.